The following is an entry in ClinVar:

ClinVar aggregate classification (germline): Uncertain significance (1 of 4 stars; one submission).

Submission:

Labcorp Genetics (formerly Invitae), Labcorp
Classification: Uncertain significance. Last evaluated: 2022-07-01. Review status: criteria provided, single submitter. Criteria: Invitae Variant Classification Sherloc (09022015). Collection method: clinical testing. Allele origin: germline.
Comment: In summary, the available evidence is currently insufficient to determine the role of this variant in disease. Therefore, it has been classified as a Variant of Uncertain Significance. Experimental studies and prediction algorithms are not available or were not evaluated, and the functional significance of this variant is currently unknown. This variant has not been reported in the literature in individuals affected with TK2-related conditions. This variant is not present in population databases (gnomAD no frequency). This variant, c.601_603del, results in the deletion of 1 amino acid(s) of the TK2 protein (p.Glu201del), but otherwise preserves the integrity of the reading frame.

NM_004614.5(TK2):c.598GAG[1] (p.Glu201del)

Gene: TK2 (thymidine kinase 2; minus strand). Cytogenetic location: 16q21.
Variant type: Microsatellite.
Coding change: c.598GAG[1] on transcript NM_004614.5 (MANE Select); one copy of the 3-base unit GAG starting at c.598; the reference has two copies in a row; one copy, 3 bases deleted.
Protein change: p.Glu201del; deletes glutamic acid 201.
Molecular consequence: inframe deletion. On other transcripts: non-coding transcript variant (1), intron variant (1).
Genome position (GRCh38, 1-based): chr16:66,517,151-66,517,153, CTC deleted on the plus strand (GAG on the coding strand, the reverse complement: TK2 is on the minus strand); deleting any 3 consecutive bases within chr16:66,517,151-66,517,156 gives the same sequence; the position shown is the placement nearest the transcript's 3' end. VCF-style (leftmost placement, unchanged base first): chr16-66517150-TCTC-T. GRCh37 (hg19) VCF-style: chr16-66551053-TCTC-T.
Other names: c.505GAG[1], p.Glu170del (NM_001172643.1); c.523GAG[1], p.Glu176del (NM_001172644.2); c.544GAG[1], p.Glu183del (NM_001172645.2); c.451GAG[1], p.Glu152del (NM_001271934.2); c.307GAG[1], p.Glu104del (NM_001272050.2); c.357-3342_357-3340del (NM_001271935.1); short protein forms E152del, E170del, E176del, E104del, E183del, E201del.
Identifiers: ClinVar variation 2012814 (VCV002012814.2), dbSNP rs2507088012, ClinGen allele CA645591441.